The following is an entry in ClinVar:

ClinVar aggregate classification (germline): Conflicting classifications of pathogenicity. Review status: criteria provided, conflicting classifications (1 of 4 stars). 6 submissions from 6 submitters: Likely pathogenic (4); Uncertain significance (2). Last evaluated 2025-09-23.

Conditions:
Tyrosinemia type I (TYRSN1). Also called: Tyrosinemia type 1; Fumarylacetoacetase deficiency; HEPATORENAL TYROSINEMIA; Deficiency of fumarylacetoacetase; FAH DEFICIENCY. Identifiers: Orphanet 882, MedGen C0268490, MONDO:0010161, OMIM 276700. Disease mechanism: loss of function.

Allele frequency attached by ClinVar (database versions not stated): gnomAD exomes 0.00001 and 0.00002; ExAC 0.00002; gnomAD 0.00003; TOPMed 0.00003; ESP Exome Variant Server 0.00023.
gnomAD v4.1: 24 of 1,613,966 alleles (0.0015%); highest among the groups gnomAD compares: Non-Finnish European, 0.0019%; no homozygotes.

Submissions (6):

Myriad Genetics, Inc.
Classification: Uncertain significance for Tyrosinemia type I. Last evaluated: 2025-09-23. Review status: criteria provided, single submitter. Criteria: Myriad Autosomal Dominant, Autosomal Recessive and X-Linked Classification Criteria (2023). Collection method: clinical testing. Allele origin: unknown.
Comment: NM_000137.2(FAH):c.880A>C(T294P) is a missense variant classified as a variant of uncertain significance in the context of tyrosinemia type I. T294P has been observed in cases with relevant disease (PMID: 9633815, 8723690). Relevant functional assessments of this variant are available in the literature (PMID: 31300554, 33670179). T294P has been observed in referenced population frequency databases. In summary, there is insufficient evidence to classify NM_000137.2(FAH):c.880A>C(T294P) as pathogenic or benign. Please note: this variant was assessed in the context of healthy population screening.

Revvity Omics, Revvity
Classification: Likely pathogenic for Tyrosinemia type I. Last evaluated: 2025-06-16. Review status: criteria provided, single submitter. Criteria: ACMG Guidelines, 2015. Collection method: clinical testing. Allele origin: germline.

Natera, Inc.
Classification: Likely pathogenic for Tyrosinemia type I. Last evaluated: 2024-08-24. Review status: criteria provided, single submitter. Criteria: Natera Variant Classification Schema (03/2026). Collection method: clinical testing. Allele origin: germline.
Comment: The c.880A>C variant in FAH is a missense variant predicted to cause substitution of threonine to proline at amino acid 294. This variant is rare in the general population with a frequency below the threshold expected for the associated phenotype(s). This variant has been observed in one or more individuals affected with the associated recessive disease, as either homozygous or compound heterozygous with a second variant (PMID: 9633815). Functional studies show that this variant may disrupt protein function (PMID: 32778825). Computational prediction algorithms indicate this variant is likely to affect gene or protein function. Given the available evidence, this variant is classified as Likely Pathogenic.

Fulgent Genetics
Classification: Likely pathogenic for Tyrosinemia type I. Last evaluated: 2024-03-26. Review status: criteria provided, single submitter. Criteria: ACMG Guidelines, 2015. Collection method: clinical testing. Allele origin: germline.

Baylor Genetics
Classification: Likely pathogenic for Tyrosinemia type I. Last evaluated: 2024-02-19. Review status: criteria provided, single submitter. Criteria: ACMG Guidelines, 2015. Collection method: clinical testing. Allele origin: unknown.

Labcorp Genetics (formerly Invitae), Labcorp
Classification: Uncertain significance for Tyrosinemia type I. Last evaluated: 2023-02-26. Review status: criteria provided, single submitter. Criteria: Invitae Variant Classification Sherloc (09022015). Collection method: clinical testing. Allele origin: germline.
Comment: This missense change has been observed in individual(s) with tyrosinemia, type 1 (PMID: 8723690, 9633815). In summary, the available evidence is currently insufficient to determine the role of this variant in disease. Therefore, it has been classified as a Variant of Uncertain Significance. Experimental studies have shown that this missense change affects FAH function (PMID: 31300554). Advanced modeling of protein sequence and biophysical properties (such as structural, functional, and spatial information, amino acid conservation, physicochemical variation, residue mobility, and thermodynamic stability) performed at Invitae indicates that this missense variant is not expected to disrupt FAH protein function. ClinVar contains an entry for this variant (Variation ID: 813491). This variant is present in population databases (rs370634385, gnomAD 0.007%). This sequence change replaces threonine, which is neutral and polar, with proline, which is neutral and non-polar, at codon 294 of the FAH protein (p.Thr294Pro).

Literature cited by the submitters: PubMed 31300554 (cited by Myriad Genetics, Inc. and Labcorp Genetics (formerly Invitae), Labcorp); PubMed 33670179 (cited by Myriad Genetics, Inc.); PubMed 8723690 (cited by Myriad Genetics, Inc. and Labcorp Genetics (formerly Invitae), Labcorp); PubMed 9633815 (cited by 3 submitters); PubMed 32778825 (cited by Natera, Inc.).

NM_000137.4(FAH):c.880A>C (p.Thr294Pro)

Gene: FAH (fumarylacetoacetate hydrolase; plus strand). Cytogenetic location: 15q25.1.
Variant type: single nucleotide variant.
Coding change: c.880A>C on transcript NM_000137.4 (MANE Select); coding-DNA position 880, A replaced by C.
Protein change: p.Thr294Pro; replaces threonine 294 with proline.
Molecular consequence: missense variant.
Genome position (GRCh38, 1-based): chr15:80,175,058, A>C. VCF-style: chr15-80175058-A-C. GRCh37 (hg19) VCF-style: chr15-80467400-A-C.
Other names: c.880A>C, p.Thr294Pro (NM_001374377.1, NM_001374380.1); c.880A>C (NM_000137.3); short protein forms T294P.
Identifiers: ClinVar variation 813491 (VCV000813491.12), dbSNP rs370634385, ClinGen allele CA7691383.